The following is an entry in ClinVar:

ClinVar aggregate classification (germline): Uncertain significance. Review status: criteria provided, multiple submitters, no conflicts (2 of 4 stars). 2 submissions from 2 submitters: Uncertain significance (2). Last evaluated 2024-02-17.

Conditions:
Predisposition to invasive fungal disease due to CARD9 deficiency (IMD103). Also called: Candidiasis, familial, 2, autosomal recessive; IMMUNODEFICIENCY 103, SUSCEPTIBILITY TO FUNGAL INFECTIONS; CARD9 IMMUNODEFICIENCY. Identifiers: Orphanet 457088, MedGen C1859353, MONDO:0008905, OMIM 212050.

Allele frequency attached by ClinVar (database versions not stated): gnomAD 0.00001; gnomAD exomes 0.00001; TOPMed 0.00001; ExAC 0.00002.

Submissions (2):

Labcorp Genetics (formerly Invitae), Labcorp
Classification: Uncertain significance for Predisposition to invasive fungal disease due to CARD9 deficiency. Last evaluated: 2024-02-17. Review status: criteria provided, single submitter. Criteria: Invitae Variant Classification Sherloc (09022015). Collection method: clinical testing. Allele origin: germline.
Comment: This sequence change replaces arginine, which is basic and polar, with glutamine, which is neutral and polar, at codon 260 of the CARD9 protein (p.Arg260Gln). The frequency data for this variant in the population databases is considered unreliable, as metrics indicate poor data quality at this position in the gnomAD database. This variant has not been reported in the literature in individuals affected with CARD9-related conditions. ClinVar contains an entry for this variant (Variation ID: 642602). Advanced modeling of protein sequence and biophysical properties (such as structural, functional, and spatial information, amino acid conservation, physicochemical variation, residue mobility, and thermodynamic stability) performed at Invitae indicates that this missense variant is not expected to disrupt CARD9 protein function with a negative predictive value of 80%. Algorithms developed to predict the effect of sequence changes on RNA splicing suggest that this variant may create or strengthen a splice site. In summary, the available evidence is currently insufficient to determine the role of this variant in disease. Therefore, it has been classified as a Variant of Uncertain Significance.

Blueprint Genetics
Classification: Uncertain significance. Last evaluated: 2023-06-14. Review status: criteria provided, single submitter. Criteria: ACMG Guidelines, 2015. Collection method: clinical testing. Allele origin: germline.

NM_052813.5(CARD9):c.779G>A (p.Arg260Gln)

Gene: CARD9 (caspase recruitment domain family member 9; minus strand). Cytogenetic location: 9q34.3.
Variant type: single nucleotide variant.
Coding change: c.779G>A on transcript NM_052813.5 (MANE Select); coding-DNA position 779, G replaced by A.
Protein change: p.Arg260Gln; replaces arginine 260 with glutamine.
Molecular consequence: missense variant.
Genome position (GRCh38, 1-based): chr9:136,370,550, C>T on the plus strand (G>A on the coding strand, the complement: CARD9 is on the minus strand). VCF-style: chr9-136370550-C-T. GRCh37 (hg19) VCF-style: chr9-139265002-C-T.
Other names: c.779G>A, p.Arg260Gln (NM_052814.4); short protein forms R260Q.
Identifiers: ClinVar variation 642602 (VCV000642602.9), dbSNP rs781016718, ClinGen allele CA5332988.